The following is an entry in ClinVar:

NM_001199397.3(NEK1):c.2067A>G (p.Thr689=)

Gene: NEK1 (NIMA related kinase 1; minus strand). Cytogenetic location: 4q33.
Variant type: single nucleotide variant.
Coding change: c.2067A>G on transcript NM_001199397.3 (MANE Select); coding-DNA position 2067, A replaced by G.
Protein change: p.Thr689=; no amino-acid change (threonine 689 retained).
Molecular consequence: synonymous variant. On other transcripts: non-coding transcript variant (1).
Genome position (GRCh38, 1-based): chr4:169,479,475, T>C on the plus strand (A>G on the coding strand, the complement: NEK1 is on the minus strand). VCF-style: chr4-169479475-T-C. GRCh37 (hg19) VCF-style: chr4-170400626-T-C.
Other names: c.1935A>G, p.Thr645= (NM_001199398.3); c.1776A>G, p.Thr592= (NM_001199399.3); c.1851A>G, p.Thr617= (NM_001199400.3); c.2067A>G, p.Thr689= (NM_001374418.1); c.1983A>G, p.Thr661= (NM_001374419.1, NM_012224.4); c.1932A>G, p.Thr644= (NM_001374420.1); c.1761A>G, p.Thr587= (NM_001374421.1).
Identifiers: ClinVar variation 509475 (VCV000509475.14), dbSNP rs757747641, ClinGen allele CA3137525.
Genomic context (GRCh38, chr4:169,479,475, plus strand): 5'-TTTCAAAGCTGAAGTTACAGAAATAACAGATCTCATCTGTTGCTTTGATGGAGAGCCACC[T>C]GTTTCATGCTGTCCCAAAGGTGGAGAAACATCAGAACTCTTAACTCCTTTAGCCACCAAC-3'
Protein context (NP_001186326.1, residues 679-699): DVSPPLGQHE[Thr689=]GGSPSKQQMR

ClinVar aggregate classification (germline): Likely benign. Review status: criteria provided, multiple submitters, no conflicts (2 of 4 stars). 4 submissions from 4 submitters: Likely benign (4). Last evaluated 2026-01-09.

Conditions:
Short-rib thoracic dysplasia 6 with or without polydactyly (SRTD6). Also called: Majewski Syndrome; POLYDACTYLY WITH NEONATAL CHONDRODYSTROPHY, TYPE II; SHORT-RIB THORACIC DYSPLASIA 6 WITH POLYDACTYLY; SHORT-RIB THORACIC DYSPLASIA 6 WITHOUT POLYDACTYLY; SHORT RIB-POLYDACTYLY SYNDROME, TYPE IIA. Identifiers: MedGen C0024507, MONDO:0009894, OMIM 263520.
NEK1-related disorder. Also called: NEK1-related condition.

Allele frequency attached by ClinVar (database versions not stated): gnomAD exomes 0.00003 and 0.00008; ExAC 0.00006; gnomAD 0.00009 and 0.00011; TOPMed 0.00021.
gnomAD v4.1: 64 of 1,611,784 alleles (0.004%); highest among the groups gnomAD compares: Admixed American, 0.048%; no homozygotes.

Submissions (4):

Labcorp Genetics (formerly Invitae), Labcorp
Classification: Likely benign for Short-rib thoracic dysplasia 6 with or without polydactyly. Last evaluated: 2026-01-09. Review status: criteria provided, single submitter. Criteria: Invitae Variant Classification Sherloc (09022015). Collection method: clinical testing. Allele origin: germline.

PreventionGenetics, part of Exact Sciences
Classification: Likely benign for NEK1-related condition. Last evaluated: 2025-08-27. Review status: criteria provided, single submitter. Criteria: ACMG Guidelines, 2015. Collection method: clinical testing. Allele origin: germline.
Comment: This variant is classified as likely benign based on ACMG/AMP sequence variant interpretation guidelines (Richards et al. 2015 PMID: 25741868, with internal and published modifications).

GeneDx
Classification: Likely benign. Last evaluated: 2018-06-04. Review status: criteria provided, single submitter. Criteria: GeneDx Variant Classification Process June 2021. Collection method: clinical testing. Allele origin: germline. Affected: yes.

Breakthrough Genomics
Classification: Likely benign. Review status: criteria provided, single submitter. Criteria: ACMG Guidelines, 2015. Collection method: not provided. Allele origin: germline. Inheritance: Autosomal recessive inheritance. Affected: yes.